The following is an entry in ClinVar:

NM_000321.3(RB1):c.688_689del (p.Ser230fs)

Gene: RB1 (RB transcriptional corepressor 1; plus strand). Cytogenetic location: 13q14.2.
Variant type: Microsatellite.
Coding change: c.688_689del on transcript NM_000321.3 (MANE Select); coding-DNA positions 688 to 689, 2 bases deleted (TC; older notation c.688_689delTC).
Protein change: p.Ser230fs; shifts the reading frame from serine 230.
Molecular consequence: frameshift variant.
Genome position (GRCh38, 1-based): chr13:48,360,097-48,360,098, TC deleted; deleting any 2 consecutive bases within chr13:48,360,094-48,360,098 gives the same sequence; the c. name uses the placement nearest the transcript's 3' end. VCF-style (leftmost placement, unchanged base first): chr13-48360093-ACT-A. GRCh37 (hg19) VCF-style: chr13-48934229-ACT-A.
Other names: c.688_689del, p.Ser230fs (NM_001407165.1, NM_001407166.1); short protein forms S230fs.
Identifiers: ClinVar variation 3237144 (VCV003237144.2), dbSNP rs2542178688.

ClinVar aggregate classification (germline): Pathogenic/Likely pathogenic. Review status: criteria provided, multiple submitters, no conflicts (2 of 4 stars). 2 submissions from 2 submitters: Pathogenic (1); Likely pathogenic (1). Last evaluated 2026-05-29.

Conditions:
Retinoblastoma (RB1). Also called: RETINOBLASTOMA, SOMATIC. Identifiers: Orphanet 790, MedGen C0035335, MeSH D012175, MONDO:0008380, OMIM 180200, HP:0009919. Disease mechanism: loss of function. Inheritance: Both sporadic and heritable forms are tested..

Submissions (2):

Diller/Parad Lab, Dana-Farber/Harvard Cancer Center
Classification: Likely pathogenic for Retinoblastoma. Last evaluated: 2026-05-29. Review status: criteria provided, single submitter. Criteria: ACMG Guidelines, 2015. Collection method: research. Allele origin: germline. Affected: yes.
Comment: It has been classified as Likely Pathogenic using Richards et al (PMID:25741868) based on the following evidence codes: PM2, PVS1.

Genetic Diagnostic Laboratory, University of Pennsylvania School of Medicine
Classification: Pathogenic for Retinoblastoma. Last evaluated: 2024-05-20. Review status: criteria provided, single submitter. Criteria: ACMG Guidelines, 2015. Collection method: clinical testing. Allele origin: germline. Affected: yes. Observed: 2 variant alleles.
Comment: Case and Pedigree Information: BILATERAL CASES:2, UNILATERAL CASES:0, TOTAL CASES:2, PEDIGREES:2. ACMG Codes Applied:PVS1, PM2